The following is an entry in ClinVar:

ClinVar aggregate classification (germline): Pathogenic. Review status: criteria provided, multiple submitters, no conflicts (2 of 4 stars). 2 submissions from 2 submitters: Pathogenic (2). Last evaluated 2025-12-08.

Conditions:
Hereditary spastic paraplegia 7 (SPG7). Also called: SPASTIC PARAPLEGIA 7, AUTOSOMAL RECESSIVE, WITH OR WITHOUT CEREBELLAR ATAXIA; Spastic paraplegia 7; Hereditary spastic paraplegia Paraplegin type; Autosomal recessive spastic paraplegia type 7; SPG7-related neurologic disorder. Identifiers: Orphanet 99013, MedGen C1846564, MONDO:0011803, OMIM 607259.

Allele frequency attached by ClinVar (database versions not stated): TOPMed below 0.00001; gnomAD 0.00001; gnomAD exomes 0.00002; ExAC 0.00003; 1000 Genomes Project 0.00040; 1000 Genomes Project 30x 0.00047.
gnomAD v4.1: 36 of 1,613,330 alleles (0.0022%); highest among the groups gnomAD compares: Non-Finnish European, 0.0029%; no homozygotes.

Submissions (2):

Labcorp Genetics (formerly Invitae), Labcorp
Classification: Pathogenic for Hereditary spastic paraplegia 7. Last evaluated: 2025-12-08. Review status: criteria provided, single submitter. Criteria: Invitae Variant Classification Sherloc (09022015). Collection method: clinical testing. Allele origin: germline.
Comment: This sequence change affects an acceptor splice site in intron 14 of the SPG7 gene. It is expected to disrupt RNA splicing. Variants that disrupt the donor or acceptor splice site typically lead to a loss of protein function (PMID: 16199547), and loss-of-function variants in SPG7 are known to be pathogenic (PMID: 21623769, 22964162). This variant is present in population databases (rs568556987, gnomAD 0.01%). Disruption of this splice site has been observed in individuals with hereditary spastic paraplegia (PMID: 22964162, 30533525). It has also been observed to segregate with disease in related individuals. ClinVar contains an entry for this variant (Variation ID: 465174). Algorithms developed to predict the effect of sequence changes on RNA splicing suggest that this variant may disrupt the consensus splice site. For these reasons, this variant has been classified as Pathogenic.

Athena Diagnostics
Classification: Pathogenic. Last evaluated: 2024-01-05. Review status: criteria provided, single submitter. Criteria: Athena Diagnostics Criteria. Collection method: clinical testing. Allele origin: unknown.
Comment: This variant is expected to severely impact normal RNA splicing, and consequently, protein structure and/or function. The frequency of this variant in the general population is consistent with pathogenicity. This variant has been identified in at least one individual with clinical features associated with this gene.

Literature cited by the submitters: PubMed 16199547 (cited by Labcorp Genetics (formerly Invitae), Labcorp); PubMed 21623769 (cited by Labcorp Genetics (formerly Invitae), Labcorp); PubMed 22964162 (cited by Labcorp Genetics (formerly Invitae), Labcorp and Athena Diagnostics); PubMed 30533525 (cited by Labcorp Genetics (formerly Invitae), Labcorp and Athena Diagnostics); PubMed 27965395 (cited by Athena Diagnostics).

NM_003119.4(SPG7):c.1937-2A>G

Gene: SPG7 (SPG7 matrix AAA peptidase subunit, paraplegin; plus strand). Cytogenetic location: 16q24.3.
Variant type: single nucleotide variant.
Coding change: c.1937-2A>G on transcript NM_003119.4 (MANE Select); the canonical splice acceptor site of the intron before coding-DNA position 1937, A replaced by G.
Molecular consequence: splice acceptor variant.
Genome position (GRCh38, 1-based): chr16:89,553,792, A>G. VCF-style: chr16-89553792-A-G. GRCh37 (hg19) VCF-style: chr16-89620200-A-G.
Other names: c.1937-2A>G (NM_001363850.1, NM_003119.2).
Identifiers: ClinVar variation 465174 (VCV000465174.12), dbSNP rs568556987, ClinGen allele CA8244494.